The following is an entry in ClinVar:

ClinVar aggregate classification (germline): Likely pathogenic (1 of 4 stars; one submission).

Conditions:
Neurodegeneration with brain iron accumulation (NBIA). Identifiers: Orphanet 385, MedGen C2931845, MONDO:0018307.

Submission:

Women's Health and Genetics/Laboratory Corporation of America, LabCorp
Classification: Likely pathogenic for Neurodegeneration with brain iron accumulation. Last evaluated: 2024-09-16. Review status: criteria provided, single submitter. Criteria: LabCorp Variant Classification Summary - May 2015. Collection method: clinical testing. Allele origin: germline.
Comment: Variant summary: PLA2G6 c.1715C>T (p.Thr572Ile) results in a non-conservative amino acid change located in the Patatin-like phospholipase domain (IPR002641) of the encoded protein sequence. Five of five in-silico tools predict a damaging effect of the variant on protein function. The variant was absent in 251306 control chromosomes. c.1715C>T has been reported in the literature in homozygous and compound heterozygous individuals affected with Neurodegeneration With Brain Iron Accumulation (Paisn-Ruiz_2010, Paisn-Ruiz_2012, Arslan_2020, Dehnavi_2023). These data indicate that the variant may be associated with disease. At least one publication reports experimental evidence evaluating an impact on protein function. The most pronounced variant effect results in motility defects, reduction in dopaminergic neurons, reduced phospholipase activity of PLA2G6 and its lipid metabolites in mutant-injected zebrafish (Yes_2021). The following publications have been ascertained in the context of this evaluation (PMID: 31493945, 37403138, 20669327, 20619503, 34520727). No submitters have cited clinical-significance assessments for this variant to ClinVar. Based on the evidence outlined above, the variant was classified as likely pathogenic.

Literature cited by the submitters: PubMed 20619503; PubMed 31493945; PubMed 37403138; PubMed 20669327; PubMed 34520727.

NM_003560.4(PLA2G6):c.1715C>T (p.Thr572Ile)

Gene: PLA2G6 (phospholipase A2 group VI; minus strand). Cytogenetic location: 22q13.1.
Variant type: single nucleotide variant.
Coding change: c.1715C>T on transcript NM_003560.4 (MANE Select); coding-DNA position 1715, C replaced by T.
Protein change: p.Thr572Ile; replaces threonine 572 with isoleucine.
Molecular consequence: missense variant.
Genome position (GRCh38, 1-based): chr22:38,120,786, G>A on the plus strand (C>T on the coding strand, the complement: PLA2G6 is on the minus strand). VCF-style: chr22-38120786-G-A. GRCh37 (hg19) VCF-style: chr22-38516793-G-A.
Other names: c.1553C>T, p.Thr518Ile (NM_001004426.3, NM_001199562.3, NM_001349865.2 and 1 more transcripts); c.1715C>T, p.Thr572Ile (NM_001349864.2); c.1181C>T, p.Thr394Ile (NM_001349867.2); c.1037C>T, p.Thr346Ile (NM_001349868.2); c.1019C>T, p.Thr340Ile (NM_001349869.2); short protein forms T340I, T346I, T394I, T518I, T572I.
Identifiers: ClinVar variation 3375451 (VCV003375451.1).